The following is an entry in ClinVar:

NM_006397.3(RNASEH2A):c.638-9C>A

Gene: RNASEH2A (ribonuclease H2 subunit A; plus strand). Cytogenetic location: 19p13.13.
Variant type: single nucleotide variant.
Coding change: c.638-9C>A on transcript NM_006397.3 (MANE Select); 9 bases into the intron before coding-DNA position 638, C replaced by A.
Molecular consequence: intron variant.
Genome position (GRCh38, 1-based): chr19:12,813,074, C>A. VCF-style: chr19-12813074-C-A. GRCh37 (hg19) VCF-style: chr19-12923888-C-A.
Identifiers: ClinVar variation 733066 (VCV000733066.11), dbSNP rs370005103, ClinGen allele CA9231997.
Genomic context (GRCh38, chr19:12,813,074, plus strand): 5'-AAAAGAGTGGCAGGGAGCTTGAATGTTATGGTGCAACTTGGACTGTCACCATTGCCCACC[C>A]TACCCCAGATCCCAAGACAAAAGCGTGGTTGAAGGAGCACGTGGAGCCTGTGTTCGGCTT-3'

ClinVar aggregate classification (germline): Likely benign. Review status: criteria provided, single submitter (1 of 4 stars). 2 submissions from 2 submitters: Likely benign (1). 1 of the submissions does not count toward it. Last evaluated 2026-01-14.

Conditions:
RNASEH2A-related disorder. Also called: RNASEH2A-related condition.
Aicardi-Goutieres syndrome 4. Identifiers: Orphanet 51, MedGen C1835912, MONDO:0012472, OMIM 610333.

Allele frequency attached by ClinVar (database versions not stated): ExAC 0.00014; 1000 Genomes Project 30x 0.00047; 1000 Genomes Project 0.00060; TOPMed 0.00002; gnomAD exomes 0.00005 and 0.00010; gnomAD 0.00006.
gnomAD v4.1: 101 of 1,614,078 alleles (0.0063%); highest among the groups gnomAD compares: South Asian, 0.081%; 3 homozygotes.

Submissions (2):

Labcorp Genetics (formerly Invitae), Labcorp
Classification: Likely benign for Aicardi-Goutieres syndrome 4. Last evaluated: 2026-01-14. Review status: criteria provided, single submitter. Criteria: Invitae Variant Classification Sherloc (09022015). Collection method: clinical testing. Allele origin: germline.

PreventionGenetics, part of Exact Sciences
Classification: Likely benign for RNASEH2A-related condition. Last evaluated: 2023-10-20. Review status: no assertion criteria provided. Collection method: clinical testing. Allele origin: germline. Not counted in ClinVar's aggregate classification.
Comment: This variant is classified as likely benign based on ACMG/AMP sequence variant interpretation guidelines (Richards et al. 2015 PMID: 25741868, with internal and published modifications).